The following is an entry in ClinVar:

NM_170707.4(LMNA):c.145G>T (p.Val49Leu)

Gene: LMNA (lamin A/C; plus strand). Cytogenetic location: 1q22.
Variant type: single nucleotide variant.
Coding change: c.145G>T on transcript NM_170707.4 (MANE Select); coding-DNA position 145, G replaced by T.
Protein change: p.Val49Leu; replaces valine 49 with leucine.
Molecular consequence: missense variant.
Genome position (GRCh38, 1-based): chr1:156,115,063, G>T. VCF-style: chr1-156115063-G-T. GRCh37 (hg19) VCF-style: chr1-156084854-G-T.
Other names: c.145G>T, p.Val49Leu (NM_001282625.2, NM_001282626.2, NM_001406983.1 and 6 more transcripts); c.-279G>T (NM_001406986.1); c.-257G>T (NM_001406990.1, NM_001406995.1, NM_001407002.1); c.-520G>T (NM_001406994.1, NM_001407000.1); c.-700G>T (NM_001406999.1); c.-363G>T (NM_001407001.1); short protein forms V49L.
Identifiers: ClinVar variation 1709835 (VCV001709835.2), dbSNP rs879254200, ClinGen allele CA342807952.

ClinVar aggregate classification (germline): Uncertain significance (1 of 4 stars; one submission).

Conditions:
Congenital muscular dystrophy due to LMNA mutation. Also called: Congenital muscular dystrophy, LMNA-related; Lamin A-related Congenital Muscular Dystrophy. Identifiers: Orphanet 157973, MedGen C2750785, MONDO:0013178, OMIM 613205.

Submission:

MGZ Medical Genetics Center
Classification: Uncertain significance for Congenital muscular dystrophy due to LMNA mutation. Last evaluated: 2022-06-23. Review status: criteria provided, single submitter. Criteria: ACMG Guidelines, 2015. Collection method: clinical testing. Allele origin: germline. Affected: yes. Observed: 1 variant allele.
Comment: ACMG criteria applied: PM2_SUP, PP3